The following is an entry in ClinVar:

NM_001204.7(BMPR2):c.1759A>G (p.Ile587Val)

Gene: BMPR2 (bone morphogenetic protein receptor type 2; plus strand). Cytogenetic location: 2q33.2.
Variant type: single nucleotide variant.
Coding change: c.1759A>G on transcript NM_001204.7 (MANE Select); coding-DNA position 1759, A replaced by G.
Protein change: p.Ile587Val; replaces isoleucine 587 with valine.
Molecular consequence: missense variant.
Genome position (GRCh38, 1-based): chr2:202,555,424, A>G. VCF-style: chr2-202555424-A-G. GRCh37 (hg19) VCF-style: chr2-203420147-A-G.
Other names: short protein forms I587V.
Identifiers: ClinVar variation 4597937 (VCV004597937.1).

ClinVar aggregate classification (germline): Uncertain significance (1 of 4 stars; one submission).

Conditions:
Inborn genetic diseases. Identifiers: MedGen C0950123, MeSH D030342.

gnomAD v4.1: 2 of 1,614,222 alleles (0.00012%); highest among the groups gnomAD compares: Non-Finnish European, 0.00017%; no homozygotes.

Submission:

Ambry Genetics
Classification: Uncertain significance for Inborn genetic diseases. Last evaluated: 2025-11-26. Review status: criteria provided, single submitter. Criteria: Ambry Variant Classification Scheme 2023. Collection method: clinical testing. Allele origin: germline.
Comment: The p.I587V variant (also known as c.1759A>G), located in coding exon 12 of the BMPR2 gene, results from an A to G substitution at nucleotide position 1759. The isoleucine at codon 587 is replaced by valine, an amino acid with highly similar properties. This amino acid position is conserved. In addition, the in silico prediction for this alteration is inconclusive. Based on the available evidence, the clinical significance of this variant remains unclear.